The following is an entry in ClinVar:

NM_213599.3(ANO5):c.1333-9A>G

Gene: ANO5 (anoctamin 5; plus strand). Cytogenetic location: 11p14.3.
Variant type: single nucleotide variant.
Coding change: c.1333-9A>G on transcript NM_213599.3 (MANE Select); 9 bases into the intron before coding-DNA position 1333, A replaced by G.
Molecular consequence: intron variant.
Genome position (GRCh38, 1-based): chr11:22,257,671, A>G. VCF-style: chr11-22257671-A-G. GRCh37 (hg19) VCF-style: chr11-22279217-A-G.
Other names: c.1330-9A>G (NM_001142649.2).
Identifiers: ClinVar variation 286009 (VCV000286009.10), dbSNP rs538243103, ClinGen allele CA5923220.

ClinVar aggregate classification (germline): Uncertain significance. Review status: criteria provided, multiple submitters, no conflicts (2 of 4 stars). 2 submissions from 2 submitters: Uncertain significance (2). Last evaluated 2023-08-25.

Conditions:
Autosomal recessive limb-girdle muscular dystrophy type 2L (LGMDR12). Also called: Limb-girdle muscular dystrophy, type 2L; Limb-Girdle Muscular Dystrophy R12 Anoctamin-5-Related (LGMD-R12); MUSCULAR DYSTROPHY, LIMB-GIRDLE, AUTOSOMAL RECESSIVE 12. Identifiers: Orphanet 206549, MedGen C1969785, MONDO:0012652, OMIM 611307.
Gnathodiaphyseal dysplasia (GDD). Also called: GNATHODIAPHYSEAL SCLEROSIS; OSTEOGENESIS IMPERFECTA WITH UNUSUAL SKELETAL LESIONS. Identifiers: Orphanet 53697, MedGen C1833736, MONDO:0008151, OMIM 166260.

Allele frequency attached by ClinVar (database versions not stated): TOPMed below 0.00001; gnomAD 0.00001 and 0.00003; gnomAD exomes 0.00001; 1000 Genomes Project 30x 0.00016; 1000 Genomes Project 0.00020.
gnomAD v4.1: 14 of 1,602,968 alleles (0.00087%); highest among the groups gnomAD compares: African/African-American, 0.0067%; no homozygotes.

Submissions (2):

Labcorp Genetics (formerly Invitae), Labcorp
Classification: Uncertain significance for Autosomal recessive limb-girdle muscular dystrophy type 2L; Gnathodiaphyseal dysplasia. Last evaluated: 2023-08-25. Review status: criteria provided, single submitter. Criteria: Invitae Variant Classification Sherloc (09022015). Collection method: clinical testing. Allele origin: germline.
Comment: This variant is present in population databases (rs538243103, gnomAD 0.007%). This sequence change falls in intron 13 of the ANO5 gene. It does not directly change the encoded amino acid sequence of the ANO5 protein. This variant has not been reported in the literature in individuals affected with ANO5-related conditions. ClinVar contains an entry for this variant (Variation ID: 286009). Algorithms developed to predict the effect of sequence changes on RNA splicing suggest that this variant may disrupt the consensus splice site. In summary, the available evidence is currently insufficient to determine the role of this variant in disease. Therefore, it has been classified as a Variant of Uncertain Significance.

Eurofins Ntd Llc (ga)
Classification: Uncertain significance. Last evaluated: 2016-02-04. Review status: criteria provided, single submitter. Criteria: EGL Classification Definitions 2015. Collection method: clinical testing. Allele origin: germline. Observed: 1 variant allele, 1 heterozygote.